The following is an entry in ClinVar:

NM_016222.4(DDX41):c.617C>A (p.Pro206His)

Gene: DDX41 (DEAD-box helicase 41; minus strand). Cytogenetic location: 5q35.3.
Variant type: single nucleotide variant.
Coding change: c.617C>A on transcript NM_016222.4 (MANE Select); coding-DNA position 617, C replaced by A.
Protein change: p.Pro206His; replaces proline 206 with histidine.
Molecular consequence: missense variant.
Genome position (GRCh38, 1-based): chr5:177,515,213, G>T on the plus strand (C>A on the coding strand, the complement: DDX41 is on the minus strand). VCF-style: chr5-177515213-G-T. GRCh37 (hg19) VCF-style: chr5-176942214-G-T.
Other names: c.239C>A, p.Pro80His (NM_001321732.2, NM_001321830.2); short protein forms P206H, P80H.
Identifiers: ClinVar variation 4238744 (VCV004238744.1).

ClinVar aggregate classification (germline): Uncertain significance (1 of 4 stars; one submission).

Conditions:
Inborn genetic diseases. Identifiers: MedGen C0950123, MeSH D030342.

gnomAD v4.1: 1 of 1,613,966 alleles (0.000062%); highest among the groups gnomAD compares: Non-Finnish European, 0.000085%; no homozygotes.

Submission:

Ambry Genetics
Classification: Uncertain significance for Inborn genetic diseases. Last evaluated: 2025-07-16. Review status: criteria provided, single submitter. Criteria: Ambry Variant Classification Scheme 2023. Collection method: clinical testing. Allele origin: germline.
Comment: The p.P206H variant (also known as c.617C>A), located in coding exon 7 of the DDX41 gene, results from a C to A substitution at nucleotide position 617. The proline at codon 206 is replaced by histidine, an amino acid with similar properties. This amino acid position is highly conserved in available vertebrate species. In addition, the in silico prediction for this alteration is inconclusive. Based on the available evidence, the clinical significance of this variant remains unclear.